The following is an entry in ClinVar:

NM_001105206.3(LAMA4):c.1889T>G (p.Ile630Ser)

Gene: LAMA4 (laminin subunit alpha 4; minus strand). Cytogenetic location: 6q21.
Variant type: single nucleotide variant.
Coding change: c.1889T>G on transcript NM_001105206.3 (MANE Select); coding-DNA position 1889, T replaced by G.
Protein change: p.Ile630Ser; replaces isoleucine 630 with serine.
Molecular consequence: missense variant.
Genome position (GRCh38, 1-based): chr6:112,155,635, A>C on the plus strand (T>G on the coding strand, the complement: LAMA4 is on the minus strand). VCF-style: chr6-112155635-A-C. GRCh37 (hg19) VCF-style: chr6-112476837-A-C.
Other names: c.1868T>G, p.Ile623Ser (NM_001105207.3, NM_002290.5); short protein forms I623S, I630S.
Identifiers: ClinVar variation 1409631 (VCV001409631.8), dbSNP rs782515075, ClinGen allele CA365364447.

ClinVar aggregate classification (germline): Uncertain significance (1 of 4 stars; one submission).

Conditions:
Dilated cardiomyopathy 1JJ (CMD1JJ). Identifiers: Orphanet 154, MedGen C3808935, MONDO:0014095, OMIM 615235.

gnomAD v4.1: 11 of 1,614,096 alleles (0.00068%); highest among the groups gnomAD compares: African/African-American, 0.0013%; no homozygotes.

Submission:

Labcorp Genetics (formerly Invitae), Labcorp
Classification: Uncertain significance for Dilated cardiomyopathy 1JJ. Last evaluated: 2021-04-09. Review status: criteria provided, single submitter. Criteria: Invitae Variant Classification Sherloc (09022015). Collection method: clinical testing. Allele origin: germline.
Comment: In summary, the available evidence is currently insufficient to determine the role of this variant in disease. Therefore, it has been classified as a Variant of Uncertain Significance. Algorithms developed to predict the effect of sequence changes on RNA splicing suggest that this variant may create or strengthen a splice site, but this prediction has not been confirmed by published transcriptional studies. Algorithms developed to predict the effect of missense changes on protein structure and function (SIFT, PolyPhen-2, Align-GVGD) all suggest that this variant is likely to be disruptive, but these predictions have not been confirmed by published functional studies and their clinical significance is uncertain. This variant has not been reported in the literature in individuals with LAMA4-related conditions. This variant is not present in population databases (ExAC no frequency). This sequence change replaces isoleucine with serine at codon 623 of the LAMA4 protein (p.Ile623Ser). The isoleucine residue is highly conserved and there is a large physicochemical difference between isoleucine and serine.